The following is an entry in ClinVar:

ClinVar aggregate classification (germline): Uncertain significance (1 of 4 stars; one submission).

Conditions:
Charcot-Marie-Tooth disease dominant intermediate E. Also called: CHARCOT-MARIE-TOOTH NEUROPATHY WITH FOCAL SEGMENTAL GLOMERULONEPHRITIS. Identifiers: Orphanet 93114, MedGen C4302667, MONDO:0013758, OMIM 614455.
Focal segmental glomerulosclerosis 5 (FSGS5). Identifiers: Orphanet 656, MedGen C2750475, MONDO:0013191, OMIM 613237.

Submission:

Labcorp Genetics (formerly Invitae), Labcorp
Classification: Uncertain significance for Charcot-Marie-Tooth disease dominant intermediate E; Focal segmental glomerulosclerosis 5. Last evaluated: 2024-01-04. Review status: criteria provided, single submitter. Criteria: Invitae Variant Classification Sherloc (09022015). Collection method: clinical testing. Allele origin: germline.
Comment: This sequence change replaces proline, which is neutral and non-polar, with arginine, which is basic and polar, at codon 755 of the INF2 protein (p.Pro755Arg). This variant is not present in population databases (gnomAD no frequency). This variant has not been reported in the literature in individuals affected with INF2-related conditions. Advanced modeling of protein sequence and biophysical properties (such as structural, functional, and spatial information, amino acid conservation, physicochemical variation, residue mobility, and thermodynamic stability) performed at Invitae indicates that this missense variant is not expected to disrupt INF2 protein function with a negative predictive value of 95%. In summary, the available evidence is currently insufficient to determine the role of this variant in disease. Therefore, it has been classified as a Variant of Uncertain Significance.

NM_022489.4(INF2):c.2264C>G (p.Pro755Arg)

Gene: INF2 (inverted formin 2; plus strand). Cytogenetic location: 14q32.33.
Variant type: single nucleotide variant.
Coding change: c.2264C>G on transcript NM_022489.4 (MANE Select); coding-DNA position 2264, C replaced by G.
Protein change: p.Pro755Arg; replaces proline 755 with arginine.
Molecular consequence: missense variant.
Genome position (GRCh38, 1-based): chr14:104,710,961, C>G. VCF-style: chr14-104710961-C-G. GRCh37 (hg19) VCF-style: chr14-105177298-C-G.
Other names: c.2264C>G, p.Pro755Arg (NM_001031714.4, NM_001426862.1, NM_001426863.1 and 2 more transcripts); short protein forms P755R.
Identifiers: ClinVar variation 2921933 (VCV002921933.3), dbSNP rs2541937428, ClinGen allele CA391220913.